The following is an entry in ClinVar:

NM_002692.4(POLE2):c.1455T>A (p.Asp485Glu)

Gene: POLE2 (DNA polymerase epsilon 2, accessory subunit; minus strand). Cytogenetic location: 14q21.3.
Variant type: single nucleotide variant.
Coding change: c.1455T>A on transcript NM_002692.4 (MANE Select); coding-DNA position 1455, T replaced by A.
Protein change: p.Asp485Glu; replaces aspartic acid 485 with glutamic acid.
Molecular consequence: missense variant.
Genome position (GRCh38, 1-based): chr14:49,650,307, A>T on the plus strand (T>A on the coding strand, the complement: POLE2 is on the minus strand). VCF-style: chr14-49650307-A-T. GRCh37 (hg19) VCF-style: chr14-50117025-A-T.
Other names: c.1377T>A, p.Asp459Glu (NM_001197330.2); c.1455T>A, p.Asp485Glu (NM_001197331.3); c.1452T>A, p.Asp484Glu (NM_001348384.2); c.1224T>A, p.Asp408Glu (NM_001348385.2); short protein forms D484E, D408E, D485E, D459E.
Identifiers: ClinVar variation 2086450 (VCV002086450.4), dbSNP rs2502808636, ClinGen allele CA389636554.

ClinVar aggregate classification (germline): Uncertain significance (1 of 4 stars; one submission).

Submission:

Labcorp Genetics (formerly Invitae), Labcorp
Classification: Uncertain significance. Last evaluated: 2022-01-16. Review status: criteria provided, single submitter. Criteria: Invitae Variant Classification Sherloc (09022015). Collection method: clinical testing. Allele origin: germline.
Comment: Algorithms developed to predict the effect of missense changes on protein structure and function (SIFT, PolyPhen-2, Align-GVGD) all suggest that this variant is likely to be tolerated. This sequence change replaces aspartic acid, which is acidic and polar, with glutamic acid, which is acidic and polar, at codon 485 of the POLE2 protein (p.Asp485Glu). This variant is not present in population databases (gnomAD no frequency). This variant has not been reported in the literature in individuals affected with POLE2-related conditions. In summary, the available evidence is currently insufficient to determine the role of this variant in disease. Therefore, it has been classified as a Variant of Uncertain Significance.